The following is an entry in ClinVar:

NM_017986.4(SLC52A1):c.812C>T (p.Ala271Val)

Gene: SLC52A1 (solute carrier family 52 member 1; minus strand). Cytogenetic location: 17p13.2.
Variant type: single nucleotide variant.
Coding change: c.812C>T on transcript NM_017986.4 (MANE Select); coding-DNA position 812, C replaced by T.
Protein change: p.Ala271Val; replaces alanine 271 with valine.
Molecular consequence: missense variant.
Genome position (GRCh38, 1-based): chr17:5,033,677, G>A on the plus strand (C>T on the coding strand, the complement: SLC52A1 is on the minus strand). VCF-style: chr17-5033677-G-A. GRCh37 (hg19) VCF-style: chr17-4936972-G-A.
Other names: p.Ala271Val; c.812C>T, p.Ala271Val (NM_001104577.2); c.812C>T (NM_001104577.1); short protein forms A271V.
Identifiers: ClinVar variation 684053 (VCV000684053.15), dbSNP rs346821, ClinGen allele CA8319706.
Genomic context (GRCh38, chr17:5,033,677, plus strand): 5'-GCACTGGTGAAGGCCATCAGGCCCAGCAGGAAGGCACCATGGGCTGAGAACAGCTGATGG[G>A]CCTCAGGGTCTGGGCCAGGGATGGTGCCTGCTGCCTGGCTCGGTGGCTCCTGCAATGGCA-3'
Protein context (NP_060456.3, residues 261-281): AGTIPGPDPE[Ala271Val]HQLFSAHGAF

ClinVar aggregate classification (germline): Benign. Review status: criteria provided, multiple submitters, no conflicts (2 of 4 stars). 5 submissions from 5 submitters: Benign (5). Last evaluated 2026-02-03.

Conditions:
Vitamin B2 deficiency. Identifiers: MedGen C0035528.
Ariboflavinosis. Identifiers: MedGen C5779638, MONDO:0004573, OMIM 615026.

Allele frequency attached by ClinVar (database versions not stated): ExAC 0.58927; gnomAD exomes 0.58385 and 0.63232; gnomAD 0.64511 and 0.66110; 1000 Genomes Project 30x 0.54560; 1000 Genomes Project 0.52915; TOPMed 0.65850; ESP Exome Variant Server 0.68822.

Submissions (5):

Labcorp Genetics (formerly Invitae), Labcorp
Classification: Benign for Vitamin B2 deficiency. Last evaluated: 2026-02-03. Review status: criteria provided, single submitter. Criteria: Invitae Variant Classification Sherloc (09022015). Collection method: clinical testing. Allele origin: germline.

Mayo Clinic Laboratories, Mayo Clinic
Classification: Benign. Last evaluated: 2025-01-06. Review status: criteria provided, single submitter. Criteria: ACMG Guidelines, 2015. Collection method: clinical testing. Allele origin: germline. Observed: 65 variant alleles.
Comment: BA1, BS2, BP4

Genome-Nilou Lab
Classification: Benign for Ariboflavinosis. Last evaluated: 2021-07-15. Review status: criteria provided, single submitter. Criteria: ACMG Guidelines, 2015. Collection method: clinical testing. Allele origin: germline. Affected: no.

GeneDx
Classification: Benign. Last evaluated: 2018-06-13. Review status: criteria provided, single submitter. Criteria: GeneDx Variant Classification (06012015). Collection method: clinical testing. Allele origin: germline. Affected: yes.
Comment: This variant is considered likely benign or benign based on one or more of the following criteria: it is a conservative change, it occurs at a poorly conserved position in the protein, it is predicted to be benign by multiple in silico algorithms, and/or has population frequency not consistent with disease.

Breakthrough Genomics
Classification: Benign. Review status: criteria provided, single submitter. Criteria: ACMG Guidelines, 2015. Collection method: not provided. Allele origin: germline. Inheritance: Autosomal dominant inheritance. Affected: yes.